The following is an entry in ClinVar:

NM_016122.3(CEP83):c.1022G>C (p.Arg341Thr)

Gene: CEP83 (centrosomal protein 83; minus strand). Cytogenetic location: 12q22.
Variant type: single nucleotide variant.
Coding change: c.1022G>C on transcript NM_016122.3 (MANE Select); coding-DNA position 1022, G replaced by C.
Protein change: p.Arg341Thr; replaces arginine 341 with threonine.
Molecular consequence: missense variant. On other transcripts: non-coding transcript variant (2).
Genome position (GRCh38, 1-based): chr12:94,369,948, C>G on the plus strand (G>C on the coding strand, the complement: CEP83 is on the minus strand). VCF-style: chr12-94369948-C-G. GRCh37 (hg19) VCF-style: chr12-94763724-C-G.
Other names: c.1022G>C, p.Arg341Thr (NM_001042399.2, NM_001346457.2, NM_001346460.2 and 3 more transcripts); c.710G>C, p.Arg237Thr (NM_001346458.2, NM_001346459.2, NM_001346462.2 and 2 more transcripts); c.797G>C, p.Arg266Thr (NM_001368041.1); c.485G>C, p.Arg162Thr (NM_001368042.1); short protein forms R162T, R237T, R266T, R341T.
Identifiers: ClinVar variation 1716097 (VCV001716097.5), dbSNP rs2541709795, ClinGen allele CA386146067.

ClinVar aggregate classification (germline): Uncertain significance (1 of 4 stars; one submission).

Conditions:
Nephronophthisis 18 (NPHP18). Identifiers: Orphanet 655, MedGen C3890591, MONDO:0014374, OMIM 615862.

Submission:

Labcorp Genetics (formerly Invitae), Labcorp
Classification: Uncertain significance for Nephronophthisis 18. Last evaluated: 2022-08-10. Review status: criteria provided, single submitter. Criteria: Invitae Variant Classification Sherloc (09022015). Collection method: clinical testing. Allele origin: germline.
Comment: This variant is not present in population databases (gnomAD no frequency). In summary, the available evidence is currently insufficient to determine the role of this variant in disease. Therefore, it has been classified as a Variant of Uncertain Significance. Algorithms developed to predict the effect of missense changes on protein structure and function are either unavailable or do not agree on the potential impact of this missense change (SIFT: "Not Available"; PolyPhen-2: "Benign"; Align-GVGD: "Not Available"). This variant has not been reported in the literature in individuals affected with CEP83-related conditions. This sequence change replaces arginine, which is basic and polar, with threonine, which is neutral and polar, at codon 341 of the CEP83 protein (p.Arg341Thr).